The following is an entry in ClinVar:

ClinVar aggregate classification (germline): Likely pathogenic (1 of 4 stars; one submission).

Submission:

GeneDx
Classification: Likely pathogenic. Last evaluated: 2018-12-07. Review status: criteria provided, single submitter. Criteria: GeneDx Variant Classification (06012015). Collection method: clinical testing. Allele origin: germline. Affected: yes.
Comment: The c.1950_1951delTC variant in the NDUFS1 gene has not been reported previously as a pathogenic variant, nor as a benign variant, to our knowledge. The c.1950_1951delTC variant changes codon Proline 651 to a premature stop codon, denoted p.Pro651Ter. This variant is predicted to cause loss of normal protein function either through protein truncation or nonsense-mediated mRNA decay. The c.1950_1951delTC variant is not observed in large population cohorts (Lek et al., 2016). We interpret c.1950_1951delTC as a likely pathogenic variant,

NM_005006.7(NDUFS1):c.1950_1951del (p.Ser650_Pro651insTer)

Gene: NDUFS1 (NADH:ubiquinone oxidoreductase core subunit S1; minus strand). Cytogenetic location: 2q33.3.
Variant type: Microsatellite.
Coding change: c.1950_1951del on transcript NM_005006.7 (MANE Select); coding-DNA positions 1950 to 1951, 2 bases deleted (TC; older notation c.1950_1951delTC).
Protein change: p.Ser650_Pro651insTer.
Molecular consequence: frameshift variant.
Genome position (GRCh38, 1-based): chr2:206,126,778-206,126,779, GA deleted on the plus strand (TC on the coding strand, the reverse complement: NDUFS1 is on the minus strand); deleting any 2 consecutive bases within chr2:206,126,778-206,126,783 gives the same sequence; the c. name uses the placement nearest the transcript's 3' end. VCF-style (leftmost placement, unchanged base first): chr2-206126777-GGA-G. GRCh37 (hg19) VCF-style: chr2-206991501-GGA-G.
Other names: c.1842_1843del, p.Ser614_Pro615insTer (NM_001199981.2); c.1617_1618del, p.Ser539_Pro540insTer (NM_001199982.2); c.1779_1780del, p.Ser593_Pro594insTer (NM_001199983.2); c.1992_1993del, p.Ser664_Pro665insTer (NM_001199984.2).
Identifiers: ClinVar variation 817012 (VCV000817012.1), dbSNP rs1575944638, ClinGen allele CA915942361.